The following is an entry in ClinVar:

ClinVar aggregate classification (germline): Uncertain significance (1 of 4 stars; one submission).

Allele frequency attached by ClinVar (database versions not stated): TOPMed below 0.00001; gnomAD exomes 0.00001.
gnomAD v4.1: 15 of 1,549,794 alleles (0.00097%); highest among the groups gnomAD compares: East Asian, 0.0024%; no homozygotes.

Submission:

Labcorp Genetics (formerly Invitae), Labcorp
Classification: Uncertain significance. Last evaluated: 2022-04-30. Review status: criteria provided, single submitter. Criteria: Invitae Variant Classification Sherloc (09022015). Collection method: clinical testing. Allele origin: germline.
Comment: This variant has not been reported in the literature in individuals affected with IQSEC1-related conditions. This variant is present in population databases (no rsID available, gnomAD 0.01%). This sequence change replaces arginine, which is basic and polar, with histidine, which is basic and polar, at codon 945 of the IQSEC1 protein (p.Arg945His). Experimental studies and prediction algorithms are not available or were not evaluated, and the functional significance of this variant is currently unknown. In summary, the available evidence is currently insufficient to determine the role of this variant in disease. Therefore, it has been classified as a Variant of Uncertain Significance.

NM_001134382.3(IQSEC1):c.2834G>A (p.Arg945His)

Gene: IQSEC1 (IQ motif and Sec7 domain ArfGEF 1; minus strand). Cytogenetic location: 3p25.2.
Variant type: single nucleotide variant.
Coding change: c.2834G>A on transcript NM_001134382.3 (MANE Select); coding-DNA position 2834, G replaced by A.
Protein change: p.Arg945His; replaces arginine 945 with histidine.
Molecular consequence: missense variant. On other transcripts: 3 prime UTR variant (1), intron variant (1).
Genome position (GRCh38, 1-based): chr3:12,901,494, C>T on the plus strand (G>A on the coding strand, the complement: IQSEC1 is on the minus strand). VCF-style: chr3-12901494-C-T. GRCh37 (hg19) VCF-style: chr3-12942994-C-T.
Other names: c.*15G>A (NM_001330619.3); c.3158G>A, p.Arg1053His (NM_001376938.2); c.2847+1279G>A (NM_014869.8); short protein forms R1053H, R945H.
Identifiers: ClinVar variation 2132248 (VCV002132248.4), dbSNP rs1166659846, ClinGen allele CA351495372.